The following is an entry in ClinVar:

NM_020982.4(CLDN9):c.-10G>T

Gene: CLDN9 (claudin 9; plus strand). Cytogenetic location: 16p13.3.
Variant type: single nucleotide variant.
Coding change: c.-10G>T on transcript NM_020982.4 (MANE Select); 10 bases upstream of the start codon, G replaced by T.
Molecular consequence: 5 prime UTR variant.
Genome position (GRCh38, 1-based): chr16:3,013,353, G>T. VCF-style: chr16-3013353-G-T. GRCh37 (hg19) VCF-style: chr16-3063354-G-T.
Identifiers: ClinVar variation 4983542 (VCV004983542.1).

ClinVar aggregate classification (germline): Likely benign (1 of 4 stars; one submission).

Conditions:
CLDN9-related disorder. Also called: CLDN9-related condition.

Submission:

PreventionGenetics, part of Exact Sciences
Classification: Likely benign for CLDN9-related condition. Last evaluated: 2026-02-03. Review status: criteria provided, single submitter. Criteria: ACMG Guidelines, 2015. Collection method: clinical testing. Allele origin: germline.
Comment: This variant is classified as likely benign based on ACMG/AMP sequence variant interpretation guidelines (Richards et al. 2015 PMID: 25741868, with internal and published modifications).